The following is an entry in ClinVar:

ClinVar aggregate classification (germline): Uncertain significance (1 of 4 stars; one submission).

Conditions:
Nephronophthisis. Also called: Juvenile Nephronophthisis. Identifiers: Orphanet 655, MedGen C0687120, MONDO:0019005, HP:0000090.

Submission:

Labcorp Genetics (formerly Invitae), Labcorp
Classification: Uncertain significance for Nephronophthisis. Last evaluated: 2022-07-12. Review status: criteria provided, single submitter. Criteria: Invitae Variant Classification Sherloc (09022015). Collection method: clinical testing. Allele origin: germline.
Comment: This variant results in a copy number gain of the genomic region encompassing exon(s) 10-20 of the NPHP1 gene. This region includes the termination codon of the gene. This copy number gain extends beyond the assayed region for this gene and therefore may encompass additional genes. As the precise location of this event is unknown, it may be in tandem or it may be located elsewhere in the genome. This variant has not been reported in the literature in individuals affected with NPHP1-related conditions. In summary, the available evidence is currently insufficient to determine the role of this variant in disease. Therefore, it has been classified as a Variant of Uncertain Significance.

NC_000002.12:g.(?_110091603)_(110161697_?)dup

Genes: MALL (mal, T cell differentiation protein like; minus strand), NPHP1 (nephrocystin 1; minus strand). Cytogenetic location: 2q13.
Variant type: Duplication.
Identifiers: ClinVar variation 832553 (VCV000832553.2).